The following is an entry in ClinVar:

NM_020843.4(SCAPER):c.3122C>T (p.Thr1041Ile)

Genes: SCAPER (S-phase cyclin A associated protein in the ER; minus strand), LOC126862183 (BRD4-independent group 4 enhancer GRCh37_chr15:76726060-76727259; plus strand). Cytogenetic location: 15q24.3.
Variant type: single nucleotide variant.
Coding change: c.3122C>T on transcript NM_020843.4 (MANE Select); coding-DNA position 3122, C replaced by T.
Protein change: p.Thr1041Ile; replaces threonine 1041 with isoleucine.
Molecular consequence: missense variant. On other transcripts: non-coding transcript variant (1).
Genome position (GRCh38, 1-based): chr15:76,434,267, G>A on the plus strand (C>T on the coding strand, the complement: SCAPER is on the minus strand). VCF-style: chr15-76434267-G-A. GRCh37 (hg19) VCF-style: chr15-76726608-G-A.
Other names: c.2384C>T, p.Thr795Ile (NM_001145923.2); c.3140C>T, p.Thr1047Ile (NM_001353009.2); c.2720C>T, p.Thr907Ile (NM_001353010.2, NM_001353012.2); c.2738C>T, p.Thr913Ile (NM_001353011.2); short protein forms T1047I, T795I, T1041I, T907I, T913I.
Identifiers: ClinVar variation 4990626 (VCV004990626.1).

ClinVar aggregate classification (germline): Uncertain significance (1 of 4 stars; one submission).

Conditions:
SCAPER-related disorder. Also called: SCAPER-related condition.

gnomAD v4.1: 2 of 1,612,928 alleles (0.00012%); highest among the groups gnomAD compares: Admixed American, 0.0017%; no homozygotes.

Submission:

PreventionGenetics, part of Exact Sciences
Classification: Uncertain significance for SCAPER-related condition. Last evaluated: 2026-05-04. Review status: criteria provided, single submitter. Criteria: ACMG Guidelines, 2015. Collection method: clinical testing. Allele origin: germline.
Comment: The SCAPER c.3140C>T variant is predicted to result in the amino acid substitution p.Thr1047Ile. To our knowledge, this variant has not been reported in the literature or in a large population database (gnomAD), indicating this variant is rare. At this time, the clinical significance of this variant is uncertain due to the absence of conclusive functional and genetic evidence.